The following is an entry in ClinVar:

ClinVar aggregate classification (germline): Pathogenic (1 of 4 stars; one submission).

Conditions:
Hereditary cancer-predisposing syndrome. Also called: Neoplastic Syndromes, Hereditary; Tumor predisposition; Hereditary neoplastic syndrome; Hereditary Cancer Syndrome. Identifiers: Orphanet 140162, MedGen C0027672, MeSH D009386, MONDO:0015356.

Submission:

Ambry Genetics
Classification: Pathogenic for Hereditary cancer-predisposing syndrome. Last evaluated: 2018-05-31. Review status: criteria provided, single submitter. Criteria: Ambry Variant Classification Scheme 2023. Collection method: clinical testing. Allele origin: germline.
Comment: The c.7393delG pathogenic mutation, located in coding exon 13 of the BRCA2 gene, results from a deletion of one nucleotide at nucleotide position 7393, causing a translational frameshift with a predicted alternate stop codon (p.A2465Qfs*4). This alteration is expected to result in loss of function by premature protein truncation or nonsense-mediated mRNA decay. As such, this alteration is interpreted as a disease-causing mutation.

NM_000059.4(BRCA2):c.7393del (p.Ala2465fs)

Gene: BRCA2 (BRCA2 DNA repair associated; plus strand). Cytogenetic location: 13q13.1.
Variant type: Deletion.
Coding change: c.7393del on transcript NM_000059.4 (MANE Select); coding-DNA position 7393, one base deleted (G; older notation c.7393delG).
Protein change: p.Ala2465fs; shifts the reading frame from alanine 2465.
Molecular consequence: frameshift variant.
Genome position (GRCh38, 1-based): chr13:32,355,246, G deleted. VCF-style (leftmost placement, unchanged base first): chr13-32355245-AG-A. GRCh37 (hg19) VCF-style: chr13-32929382-AG-A.
Other names: short protein forms A2465fs.
Identifiers: ClinVar variation 827014 (VCV000827014.4), dbSNP rs1593918565, ClinGen allele CA915946866.
Genomic context (GRCh38, chr13:32,355,245, plus strand): 5'-TAGTAAAAATAAGATTAATGACAATGAGATTCATCAGTTTAACAAAAACAACTCCAATCA[AG>A]CAGTAGCTGTAACTTTCACAAAGTGTGAAGAAGAACCTTTAGGTATTGTATGACAATTTG-3'